The following is an entry in ClinVar:

ClinVar aggregate classification (germline): Pathogenic (1 of 4 stars; one submission).

Conditions:
DICER1-related tumor predisposition. Also called: DICER1-related pleuropulmonary blastoma cancer predisposition syndrome; DICER1 syndrome. Identifiers: Orphanet 284343, MedGen C3839822, MONDO:0100216.

Submission:

Foulkes Cancer Genetics LDI, Lady Davis Institute for Medical Research
Classification: Pathogenic for Pleuropulmonary blastoma. Last evaluated: 2019-07-01. Review status: criteria provided, single submitter. Criteria: ACMG Guidelines, 2015. Collection method: curation. Allele origin: germline. Affected: yes. Observed: 4 variant alleles.
Comment: ACMG criteria met: PVS1, PM2, PP4

Literature cited by the submitters: PubMed 28222777.

NM_177438.3(DICER1):c.5347C>T (p.Gln1783Ter)

Gene: DICER1 (dicer 1, ribonuclease III; minus strand). Cytogenetic location: 14q32.13.
Variant type: single nucleotide variant.
Coding change: c.5347C>T on transcript NM_177438.3 (MANE Select); coding-DNA position 5347, C replaced by T.
Protein change: p.Gln1783Ter; replaces glutamine 1783 with a stop codon.
Molecular consequence: nonsense.
Genome position (GRCh38, 1-based): chr14:95,093,905, G>A on the plus strand (C>T on the coding strand, the complement: DICER1 is on the minus strand). VCF-style: chr14-95093905-G-A. GRCh37 (hg19) VCF-style: chr14-95560242-G-A.
Other names: c.5347C>T, p.Gln1783Ter (NM_001195573.1, NM_001271282.3, NM_001291628.2 and 1 more transcripts); short protein forms Q1783*.
Identifiers: ClinVar variation 933040 (VCV000933040.3), dbSNP rs1890067345, ClinGen allele CA390864887.